The following is an entry in ClinVar:

NM_003242.6(TGFBR2):c.116C>A (p.Thr39Asn)

Gene: TGFBR2 (transforming growth factor beta receptor 2; plus strand). Cytogenetic location: 3p24.1.
Variant type: single nucleotide variant.
Coding change: c.116C>A on transcript NM_003242.6 (MANE Select); coding-DNA position 116, C replaced by A.
Protein change: p.Thr39Asn; replaces threonine 39 with asparagine.
Molecular consequence: missense variant.
Genome position (GRCh38, 1-based): chr3:30,644,768, C>A. VCF-style: chr3-30644768-C-A. GRCh37 (hg19) VCF-style: chr3-30686260-C-A.
Other names: c.191C>A, p.Thr64Asn (NM_001024847.3, NM_001407126.1, NM_001407139.1); c.116C>A, p.Thr39Asn (NM_001407127.1, NM_001407130.1); c.143C>A, p.Thr48Asn (NM_001407128.1); c.11C>A, p.Thr4Asn (NM_001407129.1, NM_001407132.1, NM_001407133.1 and 3 more transcripts); short protein forms T39N, T64N, T48N, T4N.
Identifiers: ClinVar variation 239526 (VCV000239526.11), dbSNP rs146277116, ClinGen allele CA045863.

ClinVar aggregate classification (germline): Conflicting classifications of pathogenicity. Review status: criteria provided, conflicting classifications (1 of 4 stars). 8 submissions from 8 submitters: Uncertain significance (6); Uncertain risk allele (1); Likely benign (1). Last evaluated 2025-12-15.

Conditions:
Familial thoracic aortic aneurysm and aortic dissection (TAAD). Also called: Thoracic aortic aneurysms and dissections. Identifiers: Orphanet 91387, MedGen C4707243, MONDO:0019625.
Malignant tumor of esophagus. Also called: Esophageal cancer; Esophageal cancer, somatic. Identifiers: Orphanet 99977, MedGen C0546837, MONDO:0007576, OMIM 133239.
Colorectal cancer, hereditary nonpolyposis, type 6. Also called: Colon cancer, hereditary nonpolyposis, type 6; Colon cancer, hereditary nonpolyposis, type 6, somatic. Identifiers: Orphanet 144, MedGen C1860896, MONDO:0013695, OMIM 614331.
Loeys-Dietz syndrome 2 (LDS2). Also called: Marfan syndrome, type 2 (formerly); Marfan Syndrome type 2; Marfan like connective tissue disorder; MFS 2; AORTIC ANEURYSM, FAMILIAL THORACIC 3; MARFAN SYNDROME, TYPE II. Identifiers: Orphanet 284973, Orphanet 558, MedGen C2674574, MONDO:0012427, OMIM 610168.
Diabetic retinopathy. Identifiers: MedGen C0011884, MONDO:0005266.

Allele frequency attached by ClinVar (database versions not stated): ExAC 0.00002; 1000 Genomes Project 30x 0.00016; TOPMed 0.00004; ESP Exome Variant Server 0.00008; gnomAD exomes 0.00001 and below 0.00001; gnomAD 0.00003 and 0.00004; 1000 Genomes Project 0.00020.
gnomAD v4.1: 11 of 1,614,130 alleles (0.00068%); highest among the groups gnomAD compares: African/African-American, 0.013%; no homozygotes.

Submissions (8):

Ambry Genetics
Classification: Uncertain significance for Familial thoracic aortic aneurysm and aortic dissection. Last evaluated: 2025-12-15. Review status: criteria provided, single submitter. Criteria: Ambry Variant Classification Scheme 2023. Collection method: clinical testing. Allele origin: germline.

Labcorp Genetics (formerly Invitae), Labcorp
Classification: Uncertain significance for Familial thoracic aortic aneurysm and aortic dissection. Last evaluated: 2025-11-12. Review status: criteria provided, single submitter. Criteria: Invitae Variant Classification Sherloc (09022015). Collection method: clinical testing. Allele origin: germline.
Comment: This sequence change replaces threonine, which is neutral and polar, with asparagine, which is neutral and polar, at codon 39 of the TGFBR2 protein (p.Thr39Asn). This variant is present in population databases (rs146277116, gnomAD 0.02%). This variant has not been reported in the literature in individuals affected with TGFBR2-related conditions. ClinVar contains an entry for this variant (Variation ID: 239526). Invitae Evidence Modeling of protein sequence and biophysical properties (such as structural, functional, and spatial information, amino acid conservation, physicochemical variation, residue mobility, and thermodynamic stability) indicates that this missense variant is not expected to disrupt TGFBR2 protein function with a negative predictive value of 95%. In summary, the available evidence is currently insufficient to determine the role of this variant in disease. Therefore, it has been classified as a Variant of Uncertain Significance.

Color Diagnostics, LLC DBA Color Health
Classification: Likely benign for Familial thoracic aortic aneurysm and aortic dissection. Last evaluated: 2025-07-10. Review status: criteria provided, single submitter. Criteria: ACMG Guidelines, 2015. Collection method: clinical testing. Allele origin: germline.

All of Us Research Program, National Institutes of Health
Classification: Uncertain significance for Loeys-Dietz syndrome 2. Last evaluated: 2023-11-30. Review status: criteria provided, single submitter. Criteria: ACMG Guidelines, 2015. Collection method: clinical testing. Allele origin: germline. Inheritance: Autosomal dominant inheritance. Observed: 1 variant allele, 1 heterozygote.
Comment: This study involves interpretation of variants in research participants for the purpose of population health screening. Participant phenotype was not available at the time of variant classification. Additional details can be found in publication PMID: 35346344, PMCID: PMC8962531

GeneDx
Classification: Uncertain significance. Last evaluated: 2023-03-30. Review status: criteria provided, single submitter. Criteria: GeneDx Variant Classification Process June 2021. Collection method: clinical testing. Allele origin: germline. Affected: yes.
Comment: Not observed at significant frequency in large population cohorts (gnomAD); In silico analysis supports that this missense variant does not alter protein structure/function; Has not been previously published as pathogenic or benign to our knowledge

Fulgent Genetics
Classification: Uncertain significance for Malignant tumor of esophagus; Loeys-Dietz syndrome 2; Colorectal cancer, hereditary nonpolyposis, type 6. Last evaluated: 2021-07-20. Review status: criteria provided, single submitter. Criteria: ACMG Guidelines, 2015. Collection method: clinical testing. Allele origin: unknown.

Women's Health and Genetics/Laboratory Corporation of America, LabCorp
Classification: Uncertain significance. Last evaluated: 2018-03-26. Review status: criteria provided, single submitter. Criteria: LabCorp Variant Classification Summary - May 2015. Collection method: clinical testing. Allele origin: germline.
Comment: Variant summary: TGFBR2 c.116C>A (p.Thr39Asn) results in a non-conservative amino acid change in the encoded protein sequence. Four of five in-silico tools predict a benign effect of the variant on protein function. The variant allele was found at a frequency of 1.4e-05 in 276764 control chromosomes. The observed variant frequency is approximately 11.56 fold above the estimated maximal expected allele frequency for a pathogenic variant in TGFBR2 causing Aortopathy phenotype (1.3e-06), suggesting that the variant is benign. To our knowledge, no occurrence of c.116C>A in individuals affected with Aortopathy and no experimental evidence demonstrating its impact on protein function have been reported. One clinical diagnostic laboratory has submitted clinical-significance assessments for this variant to ClinVar after 2014 without evidence for independent evaluation and classified the variant as uncertain significance. Based on the evidence outlined above, the variant was classified as a VUS - possibly benign variant.

Clinical Genomics, Uppaluri K&H Personalized Medicine Clinic
Classification: Uncertain risk allele for Diabetic retinopathy. Review status: criteria provided, single submitter. Criteria: K And H Uppaluri Personalized Medicine Clinic Variant Classification And Assertion Criteria Updated V 2. Collection method: research. Allele origin: unknown.
Comment: Potent mutations in TGFBR2 gene encodes the transforming growth factor that have been associated with angiogenesis and diabetic retinopathy. More clinical studies are needed for stronger association. However, more evidence is required to confer the association of this particular variant rs146277116 with diabetic retinopathy.

Literature cited by the submitters: PubMed 30222965 (cited by Clinical Genomics, Uppaluri K&H Personalized Medicine Clinic); PubMed 28162229 (cited by Clinical Genomics, Uppaluri K&H Personalized Medicine Clinic); PubMed 34572573 (cited by Clinical Genomics, Uppaluri K&H Personalized Medicine Clinic).